The following is an entry in ClinVar:

ClinVar aggregate classification (germline): Pathogenic (1 of 4 stars; one submission).

Submission:

Labcorp Genetics (formerly Invitae), Labcorp
Classification: Pathogenic. Last evaluated: 2023-01-05. Review status: criteria provided, single submitter. Criteria: Invitae Variant Classification Sherloc (09022015). Collection method: clinical testing. Allele origin: germline.
Comment: For these reasons, this variant has been classified as Pathogenic. This variant has not been reported in the literature in individuals affected with TULP1-related conditions. This variant is not present in population databases (gnomAD no frequency). This sequence change creates a premature translational stop signal (p.Pro175Hisfs*20) in the TULP1 gene. It is expected to result in an absent or disrupted protein product. Loss-of-function variants in TULP1 are known to be pathogenic (PMID: 8606774, 10549638, 15024725, 18055821).

Literature cited by the submitters: PubMed 8606774; PubMed 10549638; PubMed 15024725; PubMed 18055821.

NM_003322.6(TULP1):c.524del (p.Pro175fs)

Gene: TULP1 (TUB like protein 1; minus strand). Cytogenetic location: 6p21.31.
Variant type: Deletion.
Coding change: c.524del on transcript NM_003322.6 (MANE Select); coding-DNA position 524, one base deleted (C; older notation c.524delC).
Protein change: p.Pro175fs; shifts the reading frame from proline 175.
Molecular consequence: frameshift variant.
Genome position (GRCh38, 1-based): chr6:35,509,904, G deleted on the plus strand (C on the coding strand, the reverse complement: TULP1 is on the minus strand); the first of 6 consecutive G bases (chr6:35,509,904-35,509,909); deleting any one gives the same sequence. VCF-style (leftmost placement, unchanged base first): chr6-35509903-TG-T. GRCh37 (hg19) VCF-style: chr6-35477680-TG-T.
Other names: c.365del, p.Pro122fs (NM_001289395.2); short protein forms P175fs, P122fs.
Identifiers: ClinVar variation 2826305 (VCV002826305.3), dbSNP rs1327062642, ClinGen allele CA2678413970.
Genomic context (GRCh38, chr6:35,509,903, plus strand): 5'-TCTCATCTTGGTCCCCTCCCCTGCTGGAGCTTCCTTATTCCTAACACGCAGAGGTTTCGG[TG>T]GGGGGTCAGGGCTTCCCAGGTCTCCTGGAAATGGAAGATGGGGGTCAGGCAAAGAAGGTG-3'